The following is an entry in ClinVar:

ClinVar aggregate classification (germline): Likely benign (1 of 4 stars; one submission).

gnomAD v4.1: 1,597 of 1,547,088 alleles (0.1%); highest among the groups gnomAD compares: Non-Finnish European, 0.13%; 2 homozygotes.

Submission:

CeGaT Center for Human Genetics Tuebingen
Classification: Likely benign. Last evaluated: 2026-04-01. Review status: criteria provided, single submitter. Criteria: CeGaT Center For Human Genetics Tuebingen Variant Classification Criteria Version 2. Collection method: clinical testing. Allele origin: germline. Affected: yes. Observed: 1 variant allele.
Comment: TMEM231: BP4

NM_001077418.3(TMEM231):c.310-127T>G

Gene: TMEM231 (transmembrane protein 231; minus strand). Cytogenetic location: 16q23.1.
Variant type: single nucleotide variant.
Coding change: c.310-127T>G on transcript NM_001077418.3 (MANE Select); 127 bases into the intron before coding-DNA position 310, T replaced by G.
Molecular consequence: intron variant.
Genome position (GRCh38, 1-based): chr16:75,546,081, A>C on the plus strand (T>G on the coding strand, the complement: TMEM231 is on the minus strand). VCF-style: chr16-75546081-A-C. GRCh37 (hg19) VCF-style: chr16-75579979-A-C.
Other names: c.469-127T>G (NM_001077416.2).
Identifiers: ClinVar variation 4872738 (VCV004872738.2).